The following is an entry in ClinVar:

ClinVar aggregate classification (germline): Likely benign (1 of 4 stars; one submission).

Submission:

Women's Health and Genetics/Laboratory Corporation of America, LabCorp
Classification: Likely benign. Last evaluated: 2025-12-29. Review status: criteria provided, single submitter. Criteria: LabCorp Variant Classification Summary - May 2015. Collection method: clinical testing. Allele origin: germline.
Comment: Variant summary: COL4A3 c.280-8_280-6delGTC alters a nucleotide located at a position not widely known to affect splicing. Consensus agreement among computation tools predict no significant impact on normal splicing by strengthening the canonical 3'-splicing acceptor site. However, these predictions have yet to be confirmed by functional studies. The variant was absent in 248608 control chromosomes. The available data on variant occurrences in the general population are insufficient to allow any conclusion about variant significance. To our knowledge, no occurrence of c.280-8_280-6delGTC in individuals affected with COL4A3-related conditions and no experimental evidence demonstrating its impact on protein function have been reported. No submitters have cited clinical-significance assessments for this variant to ClinVar. Based on the evidence outlined above, the variant was classified as likely benign.

NM_000091.5(COL4A3):c.280-8_280-6del

Genes: COL4A3 (collagen type IV alpha 3 chain; plus strand), MFF-DT (MFF divergent transcript; minus strand). Cytogenetic location: 2q36.3.
Variant type: Deletion.
Coding change: c.280-8_280-6del on transcript NM_000091.5 (MANE Select); 8 bases into the intron before coding-DNA position 280 through 6 bases into the intron before coding-DNA position 280, 3 bases deleted (GTC; older notation c.280-8_280-6delGTC).
Molecular consequence: intron variant.
Genome position (GRCh38, 1-based): chr2:227,244,943-227,244,945, GTC deleted. VCF-style (leftmost placement, unchanged base first): chr2-227244942-TGTC-T. GRCh37 (hg19) VCF-style: chr2-228109658-TGTC-T.
Other names: c.280-8_280-6delGTC (NM_000091.5).
Identifiers: ClinVar variation 4688760 (VCV004688760.1).